The following is an entry in ClinVar:

ClinVar aggregate classification (germline): Pathogenic (1 of 4 stars; one submission).

Conditions:
Myopathy caused by variation in FKTN. Identifiers: MedGen CN305638, MONDO:0700067.

Submission:

Myriad Genetics, Inc.
Classification: Pathogenic for Myopathy caused by variation in FKTN. Last evaluated: 2024-03-23. Review status: criteria provided, single submitter. Criteria: Myriad Autosomal Dominant, Autosomal Recessive and X-Linked Classification Criteria (2023). Collection method: clinical testing. Allele origin: unknown.
Comment: NM_001079802.1(FKTN):c.501_509del9ins1(T168Dfs*8) is expected to be pathogenic in the context of FKTN-related disorders. This variant is predicted to lead to an abnormal or absent protein product due to the creation of a premature termination codon in FKTN, a gene where loss-of-function variants are known to be pathogenic. Please note: this variant was assessed in the context of healthy population screening.

NM_001079802.2(FKTN):c.501_509delinsA (p.Thr168fs)

Gene: FKTN (fukutin; plus strand). Cytogenetic location: 9q31.2.
Variant type: Indel.
Coding change: c.501_509delinsA on transcript NM_001079802.2 (MANE Select); coding-DNA positions 501 to 509, CACTCATGC replaced by A.
Protein change: p.Thr168fs; shifts the reading frame from threonine 168.
Molecular consequence: frameshift variant. On other transcripts: non-coding transcript variant (2).
Genome position (GRCh38, 1-based): chr9:105,604,346-105,604,354, CACTCATGC replaced by A. VCF-style: chr9-105604346-CACTCATGC-A. GRCh37 (hg19) VCF-style: chr9-108366627-CACTCATGC-A.
Other names: c.501_509delinsA, p.Thr168fs (NM_001198963.2, NM_001351496.2, NM_001351498.2 and 1 more transcripts); c.432_440delinsA, p.Thr145fs (NM_001351497.2); c.105_113delinsA, p.Thr36fs (NM_001351499.2, NM_001351500.2, NM_001351501.2 and 1 more transcripts); short protein forms T145fs, T168fs, T36fs.
Identifiers: ClinVar variation 5012857 (VCV005012857.1).